The following is an entry in ClinVar:

ClinVar aggregate classification (germline): Uncertain significance. Review status: criteria provided, multiple submitters, no conflicts (2 of 4 stars). 3 submissions from 3 submitters: Uncertain significance (3). Last evaluated 2025-10-07.

Conditions:
Inborn genetic diseases. Identifiers: MedGen C0950123, MeSH D030342.
Myasthenic syndrome, congenital, 22 (CMS22). Also called: PREPL DEFICIENCY. Identifiers: MedGen C4479088, MONDO:0044299, OMIM 616224.

Allele frequency attached by ClinVar (database versions not stated): gnomAD below 0.00001 and 0.00005; ExAC 0.00018; 1000 Genomes Project 0.00060; 1000 Genomes Project 30x 0.00047; gnomAD exomes 0.00013 and 0.00007; TOPMed 0.00001.
gnomAD v4.1: 112 of 1,613,062 alleles (0.0069%); highest among the groups gnomAD compares: South Asian, 0.12%; 1 homozygote.

Submissions (3):

Ambry Genetics
Classification: Uncertain significance for Inborn genetic diseases. Last evaluated: 2025-10-07. Review status: criteria provided, single submitter. Criteria: Ambry Variant Classification Scheme 2023. Collection method: clinical testing. Allele origin: germline.

Clinical Genetics Laboratory, Skane University Hospital Lund
Classification: Uncertain significance. Last evaluated: 2022-08-22. Review status: criteria provided, single submitter. Criteria: ACMG Guidelines, 2015. Collection method: clinical testing. Allele origin: germline. Affected: yes.

Labcorp Genetics (formerly Invitae), Labcorp
Classification: Uncertain significance for Myasthenic syndrome, congenital, 22. Last evaluated: 2022-02-23. Review status: criteria provided, single submitter. Criteria: Invitae Variant Classification Sherloc (09022015). Collection method: clinical testing. Allele origin: germline.
Comment: This sequence change replaces leucine, which is neutral and non-polar, with proline, which is neutral and non-polar, at codon 706 of the PREPL protein (p.Leu706Pro). This variant is present in population databases (rs537620020, gnomAD 0.1%), including at least one homozygous and/or hemizygous individual. This variant has not been reported in the literature in individuals affected with PREPL-related conditions. ClinVar contains an entry for this variant (Variation ID: 575325). Algorithms developed to predict the effect of missense changes on protein structure and function are either unavailable or do not agree on the potential impact of this missense change (SIFT: "Deleterious"; PolyPhen-2: "Probably Damaging"; Align-GVGD: "Class C0"). In summary, the available evidence is currently insufficient to determine the role of this variant in disease. Therefore, it has been classified as a Variant of Uncertain Significance.

NM_001171613.2(PREPL):c.1850T>C (p.Leu617Pro)

Genes: PREPL (prolyl endopeptidase like; minus strand), SLC3A1 (solute carrier family 3 member 1; plus strand). Cytogenetic location: 2p21.
Variant type: single nucleotide variant.
Coding change: c.1850T>C on transcript NM_001171613.2 (MANE Select); coding-DNA position 1850, T replaced by C.
Protein change: p.Leu617Pro; replaces leucine 617 with proline.
Molecular consequence: missense variant. On other transcripts: 3 prime UTR variant (1).
Genome position (GRCh38, 1-based): chr2:44,321,423, A>G on the plus strand (T>C on the coding strand, the complement: PREPL is on the minus strand). VCF-style: chr2-44321423-A-G. GRCh37 (hg19) VCF-style: chr2-44548562-A-G.
Other names: c.*784A>G (NM_000341.4); c.1931T>C, p.Leu644Pro (NM_001042385.2); c.1919T>C, p.Leu640Pro (NM_001042386.2); c.2117T>C, p.Leu706Pro (NM_001171603.1, NM_001171606.2, NM_001374275.1 and 2 more transcripts); c.1850T>C, p.Leu617Pro (NM_001171617.1, NM_001374277.1); short protein forms L706P, L617P, L640P, L644P.
Identifiers: ClinVar variation 575325 (VCV000575325.11), dbSNP rs537620020, ClinGen allele CA1640877.
Genomic context (GRCh38, chr2:44,321,423, plus strand): 5'-TTCAGGTATTTCTTAAGATCCTCGAAAACACTGGTGCTGTCAAGTCCAAGTTCCTCGTAC[A>G]GGAATTTAATTTGGGCTGTAATCTAAAAGAAACACATTAAAAAAATTAAATAGAAGGCCT-3'
Protein context (NP_001165084.1, residues 607-627): HKKITAQIKF[Leu617Pro]YEELGLDSTS